The following is an entry in ClinVar:

NM_032043.3(BRIP1):c.790C>T (p.Arg264Trp)

Gene: BRIP1 (BRCA1 interacting DNA helicase 1; minus strand). Cytogenetic location: 17q23.2.
Variant type: single nucleotide variant.
Coding change: c.790C>T on transcript NM_032043.3 (MANE Select); coding-DNA position 790, C replaced by T.
Protein change: p.Arg264Trp; replaces arginine 264 with tryptophan.
Molecular consequence: missense variant.
Genome position (GRCh38, 1-based): chr17:61,808,595, G>A on the plus strand (C>T on the coding strand, the complement: BRIP1 is on the minus strand). VCF-style: chr17-61808595-G-A. GRCh37 (hg19) VCF-style: chr17-59885956-G-A.
Other names: p.R264W:CGG>TGG; short protein forms R264W.
Identifiers: ClinVar variation 128195 (VCV000128195.90), dbSNP rs28997569, ClinGen allele CA157728.

ClinVar aggregate classification (germline): Conflicting classifications of pathogenicity. Review status: criteria provided, conflicting classifications (1 of 4 stars). 26 submissions from 25 submitters: Uncertain significance (4); Benign (1); Likely benign (15). 6 of the submissions do not count toward it. Last evaluated 2026-05-01.

Conditions:
BRIP1-related disorder. Also called: BRIP1-related condition; BRIP1-related disorders. Identifiers: MedGen CN239206.
Breast and/or ovarian cancer. Identifiers: MedGen CN221562.
Hereditary cancer-predisposing syndrome. Also called: Tumor predisposition; Hereditary neoplastic syndrome; Neoplastic Syndromes, Hereditary; Hereditary Cancer Syndrome. Identifiers: Orphanet 140162, MedGen C0027672, MeSH D009386, MONDO:0015356.
Familial cancer of breast. Also called: Hereditary breast cancer; hereditary breast carcinoma; BREAST CANCER, FAMILIAL. Identifiers: Orphanet 227535, MedGen C0346153, MONDO:0016419, OMIM 114480. Disease mechanism: loss of function.
Fanconi anemia complementation group J. Also called: BRIP1-Related Fanconi Anemia. Identifiers: Orphanet 84, MedGen C1836860, MONDO:0012187, OMIM 609054.
Ovarian cancer. Also called: OVARIAN CANCER, SOMATIC. Identifiers: Orphanet 213500, MedGen C1140680, MONDO:0008170, OMIM 167000.
Malignant tumor of breast. Also called: Malignant breast neoplasm; Cancer breast. Identifiers: MedGen C0006142, MONDO:0007254. Disease mechanism: loss of function.

Allele frequency attached by ClinVar (database versions not stated): ExAC 0.00071; ESP Exome Variant Server 0.00092; TOPMed 0.00094; gnomAD 0.00101 and 0.00104; 1000 Genomes Project 30x 0.00125; 1000 Genomes Project 0.00140.
gnomAD v4.1: 1,871 of 1,613,856 alleles (0.12%); highest among the groups gnomAD compares: Non-Finnish European, 0.13%; 3 homozygotes.

Submissions 1 to 22 of 26:

CeGaT Center for Human Genetics Tuebingen
Classification: Likely benign. Last evaluated: 2026-05-01. Review status: criteria provided, single submitter. Criteria: CeGaT Center For Human Genetics Tuebingen Variant Classification Criteria Version 2. Collection method: clinical testing. Allele origin: germline. Affected: yes. Observed: 7 variant alleles.
Comment: BRIP1: BP1

Labcorp Genetics (formerly Invitae), Labcorp
Classification: Benign for Familial cancer of breast; Fanconi anemia complementation group J. Last evaluated: 2026-02-04. Review status: criteria provided, single submitter. Criteria: Invitae Variant Classification Sherloc (09022015). Collection method: clinical testing. Allele origin: germline.

Mayo Clinic Laboratories, Mayo Clinic
Classification: Likely benign. Last evaluated: 2025-09-15. Review status: criteria provided, single submitter. Criteria: ACMG Guidelines, 2015. Collection method: clinical testing. Allele origin: germline. Observed: 4 variant alleles.
Comment: BS1, BP2, BP5, BP6

ARUP Laboratories, Molecular Genetics and Genomics, ARUP Laboratories
Classification: Likely benign. Last evaluated: 2025-07-15. Review status: criteria provided, single submitter. Criteria: ARUP Molecular Germline Variant Investigation Process 2024. Collection method: clinical testing. Allele origin: germline.

Center for Genomic Medicine, Rigshospitalet, Copenhagen University Hospital
Classification: Uncertain significance. Last evaluated: 2025-03-04. Review status: criteria provided, single submitter. Criteria: ACMG Guidelines, 2015. Collection method: clinical testing. Allele origin: germline.

Blueprint Genetics
Classification: Likely benign. Last evaluated: 2024-11-27. Review status: criteria provided, single submitter. Criteria: ACMG Guidelines, 2015. Collection method: clinical testing. Allele origin: germline.

Molecular Diagnostics Laboratory, Catalan Institute of Oncology
Classification: Uncertain significance for Hereditary cancer-predisposing syndrome. Last evaluated: 2024-09-18. Review status: criteria provided, single submitter. Criteria: ACMG Guidelines, 2015. Collection method: clinical testing. Allele origin: germline.
Comment: c.790C>T, located in exon 6 of the BRIP1, is predicted to result in the substitution of arginine by tryptophan at codon 264, p.(Arg264Trp). This variant is found in 130/117794, with a filter allele frequency of 0.089% at 99% confidence in the gnomAD v2.1.1 database (European non-Finnish non-cancer data set). The SpliceAI algorithm predicts no significant impact on splicing. The REVEL meta-predictor score for this variant (0.338) is indeterminate regarding the effect that it may have on protein function according Pejaver 2022 thresholds (PMID: 36413997). This variant has been reported in the ClinVar database (2x benign, 17x likely benign, 3x uncertain significance) and in the LOVD database (6x likely benign, 1x uncertain significance, 2x not classified). Based on currently available information, the variant c.790C>T is classified as an uncertain significance variant according to ACMG guidelines.

KCCC/NGS Laboratory, Kuwait Cancer Control Center
Classification: Likely benign for Familial cancer of breast. Last evaluated: 2023-07-07. Review status: criteria provided, single submitter. Criteria: ACMG Guidelines, 2015. Collection method: clinical testing. Allele origin: germline. Affected: yes.

CHEO Genetics Diagnostic Laboratory, Children's Hospital of Eastern Ontario
Classification: Likely benign for Breast and/or ovarian cancer. Last evaluated: 2023-06-21. Review status: criteria provided, single submitter. Criteria: ACMG Guidelines, 2015. Collection method: clinical testing. Allele origin: germline.

Myriad Genetics, Inc.
Classification: Uncertain significance for Familial cancer of breast. Last evaluated: 2023-03-02. Review status: criteria provided, single submitter. Criteria: Myriad Autosomal Dominant, Autosomal Recessive and X-Linked Classification Criteria (2023). Collection method: clinical testing. Allele origin: unknown.
Comment: This variant is classified as a variant of uncertain significance as there is insufficient evidence to determine its impact on protein function and/or cancer risk.

Institute for Clinical Genetics, University Hospital TU Dresden, University Hospital TU Dresden
Classification: Likely benign. Last evaluated: 2021-11-03. Review status: criteria provided, single submitter. Criteria: ACMG Guidelines, 2015. Collection method: clinical testing. Allele origin: germline.

Quest Diagnostics Nichols Institute San Juan Capistrano
Classification: Likely benign. Last evaluated: 2021-02-23. Review status: criteria provided, single submitter. Criteria: Quest Diagnostics criteria. Collection method: clinical testing. Allele origin: unknown.

Sema4
Classification: Likely benign for Hereditary cancer-predisposing syndrome. Last evaluated: 2021-01-08. Review status: criteria provided, single submitter. Criteria: Sema4 Curation Guidelines. Collection method: curation. Allele origin: germline.

Mendelics
Classification: Likely benign for Familial cancer of breast. Last evaluated: 2019-05-28. Review status: criteria provided, single submitter. Criteria: Mendelics Assertion Criteria 2017. Collection method: clinical testing. Allele origin: unknown.

Ambry Genetics
Classification: Likely benign for Hereditary cancer-predisposing syndrome. Last evaluated: 2018-12-07. Review status: criteria provided, single submitter. Criteria: Ambry Variant Classification Scheme 2023. Collection method: clinical testing. Allele origin: germline.

University of Washington Department of Laboratory Medicine, University of Washington
Classification: Likely benign for Hereditary Breast Carcinoma. Last evaluated: 2018-03-28. Review status: criteria provided, single submitter. Criteria: Tsai GJ et al. (Genet Med 2018). Collection method: research. Allele origin: germline. Inheritance: Autosomal dominant inheritance. Affected: no.
Comment: The BRIP1 variant designated as NM_032043.2:c.790C>T (p.Arg264Trp) is now classified as likely benign. The variant is present in approximately 1 in 500 individuals in European and African populations. This population frequency is not consistent with a high-risk cancer variant. In addition, there are no reports of pathogenic missense variants in this BRIP1 protein domain. This variant has been classified as likely benign by other laboratories (ClinVar Variation ID: 128195). Bayesian analysis integrating all of this data (Tavtigian et al, 2018, PMID:29300386) gives a 1% probability of pathogenicity, which is consistent with a classification of likely benign. This variant is not predicted to alter BRIP1 function or modify cancer risk. A modest (less than 2 fold) increase in cancer risk due to this variant cannot be entirely excluded. This reclassification analysis was performed in conjunction with the family studies project as part of the University of Washington Find My Variant Study.

GeneDx
Classification: Likely benign. Last evaluated: 2017-12-08. Review status: criteria provided, single submitter. Criteria: GeneDx Variant Classification (06012015). Collection method: clinical testing. Allele origin: germline. Affected: yes.
Comment: This variant is considered likely benign or benign based on one or more of the following criteria: it is a conservative change, it occurs at a poorly conserved position in the protein, it is predicted to be benign by multiple in silico algorithms, and/or has population frequency not consistent with disease.

Illumina Laboratory Services, Illumina
Classification: Uncertain significance for Fanconi anemia complementation group J. Last evaluated: 2017-04-27. Review status: criteria provided, single submitter. Criteria: ICSL Variant Classification Criteria 13 December 2019. Collection method: clinical testing. Allele origin: germline.

Genetic Services Laboratory, University of Chicago
Classification: Likely benign. Last evaluated: 2015-08-02. Review status: criteria provided, single submitter. Criteria: ACMG Guidelines, 2015. Collection method: clinical testing. Allele origin: germline.

Color Diagnostics, LLC DBA Color Health
Classification: Likely benign for Hereditary cancer-predisposing syndrome. Last evaluated: 2015-01-22. Review status: criteria provided, single submitter. Criteria: ACMG Guidelines, 2015. Collection method: clinical testing. Allele origin: germline.

PreventionGenetics, part of Exact Sciences
Classification: Likely benign for BRIP1-related condition. Last evaluated: 2023-03-28. Review status: no assertion criteria provided. Collection method: clinical testing. Allele origin: germline. Not counted in ClinVar's aggregate classification.
Comment: This variant is classified as likely benign based on ACMG/AMP sequence variant interpretation guidelines (Richards et al. 2015 PMID: 25741868, with internal and published modifications).

Counsyl
Classification: Likely benign for Fanconi anemia complementation group J. Last evaluated: 2016-07-18. Review status: no assertion criteria provided. Collection method: clinical testing. Allele origin: unknown. Not counted in ClinVar's aggregate classification.